The following is an entry in ClinVar:

NM_017849.4(TMEM127):c.-1C>T

Genes: TMEM127 (transmembrane protein 127; minus strand), LOC129934333 (ATAC-STARR-seq lymphoblastoid silent region 11759; plus strand). Cytogenetic location: 2q11.2.
Variant type: single nucleotide variant.
Coding change: c.-1C>T on transcript NM_017849.4 (MANE Select); 1 bases upstream of the start codon, C replaced by T.
Molecular consequence: 5 prime UTR variant. On other transcripts: intron variant (1).
Genome position (GRCh38, 1-based): chr2:96,265,382, G>A on the plus strand (C>T on the coding strand, the complement: TMEM127 is on the minus strand). VCF-style: chr2-96265382-G-A. GRCh37 (hg19) VCF-style: chr2-96931120-G-A.
Other names: c.-1C>T (NM_001193304.3); c.-9+487C>T (NM_001407283.1).
Identifiers: ClinVar variation 3326699 (VCV003326699.1).

ClinVar aggregate classification (germline): Uncertain significance (1 of 4 stars; one submission).

Conditions:
Hereditary cancer-predisposing syndrome. Also called: Neoplastic Syndromes, Hereditary; Tumor predisposition; Hereditary neoplastic syndrome; Hereditary Cancer Syndrome. Identifiers: Orphanet 140162, MedGen C0027672, MeSH D009386, MONDO:0015356.

Submission:

Ambry Genetics
Classification: Uncertain significance for Hereditary cancer-predisposing syndrome. Last evaluated: 2024-05-08. Review status: criteria provided, single submitter. Criteria: Ambry Variant Classification Scheme 2023. Collection method: clinical testing. Allele origin: germline.
Comment: The c.-1C>T variant is located in the 5' untranslated region (5&rsquo; UTR) of the TMEM127 gene. This variant results from a C to T substitution 1 base upstream from the first translated codon. This nucleotide position is well conserved in available vertebrate species. In silico splice site analysis predicts that this alteration will result in the creation or strengthening of a novel splice donor site; however, direct evidence is insufficient at this time (Ambry internal data). Based on the available evidence, the clinical significance of this variant remains unclear.